The following is an entry in ClinVar:

NM_001384140.1(PCDH15):c.1180T>C (p.Tyr394His)

Gene: PCDH15 (protocadherin related 15; minus strand). Cytogenetic location: 10q21.1.
Variant type: single nucleotide variant.
Coding change: c.1180T>C on transcript NM_001384140.1 (MANE Select); coding-DNA position 1180, T replaced by C.
Protein change: p.Tyr394His; replaces tyrosine 394 with histidine.
Molecular consequence: missense variant.
Genome position (GRCh38, 1-based): chr10:54,195,808, A>G on the plus strand (T>C on the coding strand, the complement: PCDH15 is on the minus strand). VCF-style: chr10-54195808-A-G. GRCh37 (hg19) VCF-style: chr10-55955568-A-G.
Other names: c.1195T>C, p.Tyr399His (NM_001142763.2, NM_001142769.4, NM_001142771.2); c.1180T>C, p.Tyr394His (NM_001142764.2, NM_001142765.2, NM_001142766.2 and 7 more transcripts); c.1069T>C, p.Tyr357His (NM_001142767.2); c.1114T>C, p.Tyr372His (NM_001142768.2, NM_001142773.2, NM_001354404.2); short protein forms Y394H, Y357H, Y372H, Y399H.
Identifiers: ClinVar variation 839510 (VCV000839510.6), dbSNP rs778369017, ClinGen allele CA5506469.
Genomic context (GRCh38, chr10:54,195,808, plus strand): 5'-TGGTTGCTCCCACTGGGGCAGATTCCAGGATATAGCCTTGATAACTGGGCATTGTAAAAT[A>G]TGGACTTTGATTGTTTTCATCCAGTATTTCAATGTGTAGACCGGCAAAGGCAGGAAGAGG-3'
Protein context (NP_001371069.1, residues 384-404): EILDENNQSP[Tyr394His]FTMPSYQGYI

ClinVar aggregate classification (germline): Uncertain significance. Review status: criteria provided, single submitter (1 of 4 stars). 2 submissions from 2 submitters: Uncertain significance (1). 1 of the submissions does not count toward it. Last evaluated 2021-09-02.

Conditions:
Usher syndrome type 1F (USH1F). Also called: USHER SYNDROME, TYPE IF. Identifiers: Orphanet 231169, Orphanet 886, MedGen C1865885, MONDO:0011186, OMIM 602083.

Allele frequency attached by ClinVar (database versions not stated): gnomAD exomes below 0.00001 and 0.00001; ExAC 0.00002.
gnomAD v4.1: 3 of 1,614,016 alleles (0.00019%); highest among the groups gnomAD compares: South Asian, 0.0033%; no homozygotes.

Submissions (2):

Labcorp Genetics (formerly Invitae), Labcorp
Classification: Uncertain significance. Last evaluated: 2021-09-02. Review status: criteria provided, single submitter. Criteria: Invitae Variant Classification Sherloc (09022015). Collection method: clinical testing. Allele origin: germline.
Comment: This sequence change replaces tyrosine with histidine at codon 394 of the PCDH15 protein (p.Tyr394His). The tyrosine residue is highly conserved and there is a moderate physicochemical difference between tyrosine and histidine. This variant is present in population databases (rs778369017, ExAC 0.01%). This variant has not been reported in the literature in individuals affected with PCDH15-related conditions. Algorithms developed to predict the effect of missense changes on protein structure and function are either unavailable or do not agree on the potential impact of this missense change (SIFT: "Deleterious"; PolyPhen-2: "Probably Damaging"; Align-GVGD: "Class C0"). In summary, the available evidence is currently insufficient to determine the role of this variant in disease. Therefore, it has been classified as a Variant of Uncertain Significance.

Natera, Inc.
Classification: Uncertain significance for Usher syndrome type 1F. Last evaluated: 2021-09-02. Review status: no assertion criteria provided. Collection method: clinical testing. Allele origin: germline. Not counted in ClinVar's aggregate classification.